The following is an entry in ClinVar:

ClinVar aggregate classification (germline): Uncertain significance. Review status: criteria provided, multiple submitters, no conflicts (2 of 4 stars). 3 submissions from 3 submitters: Uncertain significance (3). Last evaluated 2022-03-16.

Conditions:
Xeroderma pigmentosum, group G (XPG). Also called: XERODERMA PIGMENTOSUM VII; XP, GROUP G; Xeroderma pigmentosum type 7; ERCC5-Related Xeroderma Pigmentosum. Identifiers: MedGen C0268141, MONDO:0010216, OMIM 278780.
Cerebrooculofacioskeletal syndrome 3 (COFS3). Identifiers: MedGen C1851443, MONDO:0014696, OMIM 616570.

Allele frequency attached by ClinVar (database versions not stated): TOPMed 0.00001; ExAC 0.00002; gnomAD exomes 0.00002 and 0.00004; gnomAD 0.00003; 1000 Genomes Project 30x 0.00016; 1000 Genomes Project 0.00020.
gnomAD v4.1: 59 of 1,614,030 alleles (0.0037%); highest among the groups gnomAD compares: East Asian, 0.016%; no homozygotes.

Submissions (3):

GeneDx
Classification: Uncertain significance. Last evaluated: 2022-03-16. Review status: criteria provided, single submitter. Criteria: GeneDx Variant Classification Process June 2021. Collection method: clinical testing. Allele origin: germline. Affected: yes.
Comment: In silico analysis supports that this missense variant does not alter protein structure/function; Has not been previously published as pathogenic or benign to our knowledge

Baylor Genetics
Classification: Uncertain significance for Cerebrooculofacioskeletal syndrome 3. Last evaluated: 2019-01-28. Review status: criteria provided, single submitter. Criteria: ACMG Guidelines, 2015. Collection method: clinical testing. Allele origin: unknown. Affected: yes. Study: CSER-TexasKidsCanSeq.
Comment: This variant was determined to be of uncertain significance according to ACMG Guidelines, 2015 [PMID:25741868].

Illumina Laboratory Services, Illumina
Classification: Uncertain significance for Xeroderma pigmentosum, group G. Last evaluated: 2018-01-12. Review status: criteria provided, single submitter. Criteria: ICSL Variant Classification Criteria 13 December 2019. Collection method: clinical testing. Allele origin: germline.

NM_000123.4(ERCC5):c.1460C>T (p.Pro487Leu)

Genes: BIVM-ERCC5 (BIVM-ERCC5 readthrough; plus strand), ERCC5 (ERCC excision repair 5, endonuclease; plus strand). Cytogenetic location: 13q33.1.
Variant type: single nucleotide variant.
Coding change: c.1460C>T on transcript NM_000123.4 (MANE Select); coding-DNA position 1460, C replaced by T.
Protein change: p.Pro487Leu; replaces proline 487 with leucine.
Molecular consequence: missense variant.
Genome position (GRCh38, 1-based): chr13:102,862,609, C>T. VCF-style: chr13-102862609-C-T. GRCh37 (hg19) VCF-style: chr13-103514959-C-T.
Other names: c.2822C>T, p.Pro941Leu (NM_001204425.2); short protein forms P487L, P941L.
Identifiers: ClinVar variation 310922 (VCV000310922.8), dbSNP rs560626350, ClinGen allele CA7041413.
Genomic context (GRCh38, chr13:102,862,609, plus strand): 5'-CCACAGACTCAGTTCCAAAAGAACAAATGTCACTTGTTCACGTGGGGACTGAAGCCTTTC[C>T]GATAAGTGATGAGTCTATGATTAAGGACAGAAAAGATCGGCTGCCTCTGGAGAGTGCAGT-3'
Protein context (NP_000114.3, residues 477-497): SLVHVGTEAF[Pro487Leu]ISDESMIKDR